The following is an entry in ClinVar:

ClinVar aggregate classification (germline): Conflicting classifications of pathogenicity. Review status: criteria provided, conflicting classifications (1 of 4 stars). 2 submissions from 2 submitters: Uncertain significance (1); Likely benign (1). Last evaluated 2025-05-15.

Conditions:
Rubinstein-Taybi syndrome due to EP300 haploinsufficiency. Also called: EP300-Related Rubinstein-Taybi Syndrome; RUBINSTEIN-TAYBI SYNDROME 2. Identifiers: Orphanet 353284, Orphanet 783, MedGen C3150941, MONDO:0013364, OMIM 613684.

Allele frequency attached by ClinVar (database versions not stated): gnomAD exomes below 0.00001; ExAC 0.00001.
gnomAD v4.1: 8 of 1,614,048 alleles (0.0005%); highest among the groups gnomAD compares: South Asian, 0.0011%; no homozygotes.

Submissions (2):

Labcorp Genetics (formerly Invitae), Labcorp
Classification: Likely benign for Rubinstein-Taybi syndrome due to EP300 haploinsufficiency. Last evaluated: 2025-05-15. Review status: criteria provided, single submitter. Criteria: Invitae Variant Classification Sherloc (09022015). Collection method: clinical testing. Allele origin: germline.

GeneDx
Classification: Uncertain significance. Last evaluated: 2022-03-16. Review status: criteria provided, single submitter. Criteria: GeneDx Variant Classification Process June 2021. Collection method: clinical testing. Allele origin: germline. Affected: yes.
Comment: In silico analysis supports that this missense variant has a deleterious effect on protein structure/function; Has not been previously published as pathogenic or benign to our knowledge

NM_001429.4(EP300):c.5654C>T (p.Pro1885Leu)

Gene: EP300 (EP300 lysine acetyltransferase; plus strand). Cytogenetic location: 22q13.2.
Variant type: single nucleotide variant.
Coding change: c.5654C>T on transcript NM_001429.4 (MANE Select); coding-DNA position 5654, C replaced by T.
Protein change: p.Pro1885Leu; replaces proline 1885 with leucine.
Molecular consequence: missense variant.
Genome position (GRCh38, 1-based): chr22:41,177,365, C>T. VCF-style: chr22-41177365-C-T. GRCh37 (hg19) VCF-style: chr22-41573369-C-T.
Other names: c.5576C>T, p.Pro1859Leu (NM_001362843.2); short protein forms P1859L, P1885L.
Identifiers: ClinVar variation 1706352 (VCV001706352.3), dbSNP rs763093656, ClinGen allele CA10253679.